The following is an entry in ClinVar:

ClinVar aggregate classification (germline): Uncertain significance (1 of 4 stars; one submission).

Conditions:
Developmental and epileptic encephalopathy, 31A. Also called: Epileptic encephalopathy, early infantile, 31; Developmental and epileptic encephalopathy, 31. Identifiers: Orphanet 2382, MedGen C4225357, MONDO:0014598, OMIM 616346.

Submission:

Labcorp Genetics (formerly Invitae), Labcorp
Classification: Uncertain significance for Developmental and epileptic encephalopathy, 31A. Last evaluated: 2025-10-06. Review status: criteria provided, single submitter. Criteria: Invitae Variant Classification Sherloc (09022015). Collection method: clinical testing. Allele origin: germline.
Comment: This sequence change replaces glycine, which is neutral and non-polar, with arginine, which is basic and polar, at codon 801 of the DNM1 protein (p.Gly801Arg). This variant is not present in population databases (gnomAD no frequency). This variant has not been reported in the literature in individuals affected with DNM1-related conditions. ClinVar contains an entry for this variant (Variation ID: 2766180). Invitae Evidence Modeling of protein sequence and biophysical properties (such as structural, functional, and spatial information, amino acid conservation, physicochemical variation, residue mobility, and thermodynamic stability) indicates that this missense variant is not expected to disrupt DNM1 protein function with a negative predictive value of 95%. In summary, the available evidence is currently insufficient to determine the role of this variant in disease. Therefore, it has been classified as a Variant of Uncertain Significance.

NM_004408.4(DNM1):c.2401G>A (p.Gly801Arg)

Genes: DNM1 (dynamin 1; plus strand), LOC130002699 (ATAC-STARR-seq lymphoblastoid silent region 20333; plus strand). Cytogenetic location: 9q34.11.
Variant type: single nucleotide variant.
Coding change: c.2401G>A on transcript NM_004408.4 (MANE Select); coding-DNA position 2401, G replaced by A.
Protein change: p.Gly801Arg; replaces glycine 801 with arginine.
Molecular consequence: missense variant.
Genome position (GRCh38, 1-based): chr9:128,250,807, G>A. VCF-style: chr9-128250807-G-A. GRCh37 (hg19) VCF-style: chr9-131013086-G-A.
Other names: c.2401G>A, p.Gly801Arg (NM_001005336.3, NM_001288737.2, NM_001288738.2 and 2 more transcripts); short protein forms G801R.
Identifiers: ClinVar variation 2766180 (VCV002766180.3), dbSNP rs2539127904, ClinGen allele CA375001655.